The following is an entry in ClinVar:

ClinVar aggregate classification (germline): Uncertain significance (1 of 4 stars; one submission).

Conditions:
Cardiovascular phenotype. Identifiers: MedGen CN230736.
Hereditary cancer-predisposing syndrome. Also called: Hereditary Cancer Syndrome; Neoplastic Syndromes, Hereditary; Tumor predisposition; Hereditary neoplastic syndrome. Identifiers: Orphanet 140162, MedGen C0027672, MeSH D009386, MONDO:0015356.

Submission:

Ambry Genetics
Classification: Uncertain significance for Cardiovascular phenotype; Hereditary cancer-predisposing syndrome. Last evaluated: 2022-06-11. Review status: criteria provided, single submitter. Criteria: Ambry Variant Classification Scheme 2023. Collection method: clinical testing. Allele origin: germline.
Comment: The p.Q161L variant (also known as c.482A>T), located in coding exon 5 of the LZTR1 gene, results from an A to T substitution at nucleotide position 482. The glutamine at codon 161 is replaced by leucine, an amino acid with dissimilar properties. This amino acid position is conserved. In addition, this alteration is predicted to be tolerated by in silico analysis. Since supporting evidence is limited at this time, the clinical significance of this alteration remains unclear.

NM_006767.4(LZTR1):c.482A>T (p.Gln161Leu)

Gene: LZTR1 (leucine zipper like post translational regulator 1; plus strand). Cytogenetic location: 22q11.21.
Variant type: single nucleotide variant.
Coding change: c.482A>T on transcript NM_006767.4 (MANE Select); coding-DNA position 482, A replaced by T.
Protein change: p.Gln161Leu; replaces glutamine 161 with leucine.
Molecular consequence: missense variant.
Genome position (GRCh38, 1-based): chr22:20,988,091, A>T. VCF-style: chr22-20988091-A-T. GRCh37 (hg19) VCF-style: chr22-21342380-A-T.
Other names: short protein forms Q161L.
Identifiers: ClinVar variation 1743409 (VCV001743409.2), dbSNP rs2518613353, ClinGen allele CA410779881.
Genomic context (GRCh38, chr22:20,988,091, plus strand): 5'-ATTCCAATTCTAACTTGAAGAATAAAAACGACCTCTTTGAATACAAGTTTGCAACTGGCC[A>T]GTGGACGGAGTGGAAAATTGAAGGACGGTGAGAAACTTTGCAGAAACATTTGGGACAGGC-3'
Protein context (NP_006758.2, residues 151-171): DLFEYKFATG[Gln161Leu]WTEWKIEGRL